The following is an entry in ClinVar:

ClinVar aggregate classification (germline): Pathogenic/Likely pathogenic. Review status: criteria provided, multiple submitters, no conflicts (2 of 4 stars). 3 submissions from 3 submitters: Pathogenic (1); Likely pathogenic (1). 1 of the submissions does not count toward it. Last evaluated 2021-05-12.
ClinVar aggregate classification (somatic clinical impact): Tier I - Strong (1 of 4 stars; one submission).

Conditions:
GNA14-related disorders.
Congenital tufted angioma.
Pyogenic granuloma. Also called: PG; Lobular capillary hemangioma. Identifiers: MedGen C0085653, MONDO:0022096.
Kaposiform hemangioendothelioma. Identifiers: Orphanet 2122, MedGen C1367420, MONDO:0016236.
Capillary malformation (CMC). Also called: Capillary malformations, congenital; CAPILLARY MALFORMATIONS. Identifiers: Orphanet 211247, MedGen C0340803, MONDO:0016231, HP:0025104.

Submissions (4):

Institute for Genomic Medicine (IGM) Clinical Laboratory, Nationwide Children's Hospital
Classification: Tier I - Strong for Capillary malformation. Assertion type: diagnostic. Clinical significance: supports diagnosis. Last evaluated: 2024-12-31. Review status: criteria provided, single submitter. Criteria: AMP/ASCO/CAP Guidelines, 2017. Collection method: clinical testing. Allele origin: somatic. Affected: yes.
Comment: Variant has Tier I (strong) clinical significance as a diagnostic inclusion criterion in capillary malformation, based on the following evidence: 1) Information in the literature supports potential biologic effect of variant (PMID: 27476652). 2) Diagnostic for a specific tumor type/classification based on well-powered studies with expert-level consensus (Evidence Level B; PMIDs: 27476652, 31189994, 38917801, 39367533).

Seattle Children's Hospital Molecular Genetics Laboratory, Seattle Children's Hospital
Classification: Pathogenic. Last evaluated: 2021-05-12. Review status: criteria provided, single submitter. Criteria: ACMG Guidelines, 2015. Collection method: clinical testing. Allele origin: somatic. Affected: yes.
Comment: This variant has previously been reported in several unrelated individuals with GLUT-1 negative vascular tumors, including kaposiform hemangioendothelioma, tufted angioma, and lobular capillary hemangioma (PMID: 27476652, PMID: 31707589). Functional studies have demonstrated that the substitution of glutamine with leucine at position 205 leads to deregulated MAPK activation (PMID: 27476652).

Blueprint Genetics
Classification: Likely pathogenic for GNA14-related disorders. Last evaluated: 2021-01-25. Review status: criteria provided, single submitter. Criteria: ACMG Guidelines, 2015. Collection method: clinical testing. Allele origin: germline. Affected: yes. Observed: 1 variant allele.

Yale Center for Mendelian Genomics, Yale University
Classification: Likely pathogenic for Congenital tufted angioma; Kaposiform Hemangioendotheliomas; Lobular capillary hemangioma. Last evaluated: 2016-07-28. Review status: no assertion criteria provided. Collection method: literature only. Allele origin: somatic. Affected: yes. Observed: 3 heterozygotes. Not counted in ClinVar's aggregate classification.

Literature cited by the submitters: PubMed 27476652 (cited by Institute for Genomic Medicine (IGM) Clinical Laboratory, Nationwide Children's Hospital and Yale Center for Mendelian Genomics, Yale University); PubMed 31189994 (cited by Institute for Genomic Medicine (IGM) Clinical Laboratory, Nationwide Children's Hospital); PubMed 38917801 (cited by Institute for Genomic Medicine (IGM) Clinical Laboratory, Nationwide Children's Hospital); PubMed 39367533 (cited by Institute for Genomic Medicine (IGM) Clinical Laboratory, Nationwide Children's Hospital).

NM_004297.4(GNA14):c.614A>T (p.Gln205Leu)

Gene: GNA14 (G protein subunit alpha 14; minus strand). Cytogenetic location: 9q21.2.
Variant type: single nucleotide variant.
Coding change: c.614A>T on transcript NM_004297.4 (MANE Select); coding-DNA position 614, A replaced by T.
Protein change: p.Gln205Leu; replaces glutamine 205 with leucine.
Molecular consequence: missense variant.
Genome position (GRCh38, 1-based): chr9:77,429,016, T>A on the plus strand (A>T on the coding strand, the complement: GNA14 is on the minus strand). VCF-style: chr9-77429016-T-A. GRCh37 (hg19) VCF-style: chr9-80043932-T-A.
Other names: short protein forms Q205L.
Identifiers: ClinVar variation 548667 (VCV000548667.5), dbSNP rs1554685903, ClinGen allele CA373866813.